The following is an entry in ClinVar:

NM_014633.5(CTR9):c.2795C>G (p.Ser932Cys)

Gene: CTR9 (CTR9 component of Paf1/RNA polymerase II complex; plus strand). Cytogenetic location: 11p15.4.
Variant type: single nucleotide variant.
Coding change: c.2795C>G on transcript NM_014633.5 (MANE Select); coding-DNA position 2795, C replaced by G.
Protein change: p.Ser932Cys; replaces serine 932 with cysteine.
Molecular consequence: missense variant.
Genome position (GRCh38, 1-based): chr11:10,774,079, C>G. VCF-style: chr11-10774079-C-G. GRCh37 (hg19) VCF-style: chr11-10795626-C-G.
Other names: c.2723C>G, p.Ser908Cys (NM_001346279.2); short protein forms S908C, S932C.
Identifiers: ClinVar variation 3611455 (VCV003611455.2).

ClinVar aggregate classification (germline): Uncertain significance (1 of 4 stars; one submission).

gnomAD v4.1: 6 of 1,611,574 alleles (0.00037%); highest among the groups gnomAD compares: African/African-American, 0.0013%; no homozygotes.

Submission:

Labcorp Genetics (formerly Invitae), Labcorp
Classification: Uncertain significance. Last evaluated: 2024-05-21. Review status: criteria provided, single submitter. Criteria: Invitae Variant Classification Sherloc (09022015). Collection method: clinical testing. Allele origin: germline.
Comment: This sequence change replaces serine, which is neutral and polar, with cysteine, which is neutral and slightly polar, at codon 932 of the CTR9 protein (p.Ser932Cys). This variant is present in population databases (no rsID available, gnomAD 0.007%). This variant has not been reported in the literature in individuals affected with CTR9-related conditions. An algorithm developed to predict the effect of missense changes on protein structure and function (PolyPhen-2) suggests that this variant is likely to be tolerated. In summary, the available evidence is currently insufficient to determine the role of this variant in disease. Therefore, it has been classified as a Variant of Uncertain Significance.